The following is an entry in ClinVar:

ClinVar aggregate classification (germline): Likely benign. Review status: criteria provided, multiple submitters, no conflicts (2 of 4 stars). 4 submissions from 4 submitters: Likely benign (4). Last evaluated 2024-10-05.

Conditions:
Atrial septal defect 5 (ASD5). Identifiers: Orphanet 1478, MedGen C2748552, MONDO:0013011, OMIM 612794.
Dilated cardiomyopathy 1R (CMD1R). Identifiers: Orphanet 154, Orphanet 54260, MedGen C3150681, MONDO:0013261, OMIM 613424.
Hypertrophic cardiomyopathy 11. Also called: ACTC1-Related Familial Hypertrophic Cardiomyopathy. Identifiers: MedGen C2677506, MONDO:0012799, OMIM 612098.
Cardiovascular phenotype. Identifiers: MedGen CN230736.
Cardiomyopathy (CMYO). Also called: Cardiomyopathies. Identifiers: Orphanet 167848, MedGen C0878544, MONDO:0004994, HP:0001638. Inheritance: Various modes of inheritance.
Hypertrophic cardiomyopathy. Also called: HYPERTROPHIC MYOCARDIOPATHY. Identifiers: Orphanet 217569, MedGen C0007194, MeSH D002312, MONDO:0005045, HP:0001639.

Allele frequency attached by ClinVar (database versions not stated): gnomAD exomes below 0.00001.
gnomAD v4.1: 1 of 1,614,188 alleles (0.000062%); highest among the groups gnomAD compares: Non-Finnish European, 0.000085%; no homozygotes.

Submissions (4):

Labcorp Genetics (formerly Invitae), Labcorp
Classification: Likely benign for Dilated cardiomyopathy 1R; Hypertrophic cardiomyopathy 11; Atrial septal defect 5. Last evaluated: 2024-10-05. Review status: criteria provided, single submitter. Criteria: Invitae Variant Classification Sherloc (09022015). Collection method: clinical testing. Allele origin: germline.

All of Us Research Program, National Institutes of Health
Classification: Likely benign for Hypertrophic cardiomyopathy. Last evaluated: 2024-05-14. Review status: criteria provided, single submitter. Criteria: ACMG Guidelines, 2015. Collection method: clinical testing. Allele origin: germline. Inheritance: Autosomal dominant inheritance. Observed: 1 variant allele, 1 heterozygote.
Comment: This study involves interpretation of variants in research participants for the purpose of population health screening. Participant phenotype was not available at the time of variant classification. Additional details can be found in publication PMID: 35346344, PMCID: PMC8962531

Color Diagnostics, LLC DBA Color Health
Classification: Likely benign for Cardiomyopathy. Last evaluated: 2024-03-19. Review status: criteria provided, single submitter. Criteria: ACMG Guidelines, 2015. Collection method: clinical testing. Allele origin: germline.

Ambry Genetics
Classification: Likely benign for Cardiovascular phenotype. Last evaluated: 2018-05-22. Review status: criteria provided, single submitter. Criteria: Ambry Variant Classification Scheme 2023. Collection method: clinical testing. Allele origin: germline.

NM_005159.5(ACTC1):c.1095T>C (p.Asp365=)

Genes: ACTC1 (actin alpha cardiac muscle 1; minus strand), GJD2-DT (GJD2 divergent transcript; plus strand). Cytogenetic location: 15q14.
Variant type: single nucleotide variant.
Coding change: c.1095T>C on transcript NM_005159.5 (MANE Select); coding-DNA position 1095, T replaced by C.
Protein change: p.Asp365=; no amino-acid change (aspartic acid 365 retained).
Molecular consequence: synonymous variant.
Genome position (GRCh38, 1-based): chr15:34,790,451, A>G on the plus strand (T>C on the coding strand, the complement: ACTC1 is on the minus strand). VCF-style: chr15-34790451-A-G. GRCh37 (hg19) VCF-style: chr15-35082652-A-G.
Other names: c.1095T>C, p.Asp365= (NM_001406482.1, NM_001406483.1); c.960T>C, p.Asp320= (NM_001406484.1); c.654T>C, p.Asp218= (NM_001406485.1).
Identifiers: ClinVar variation 1790532 (VCV001790532.9), dbSNP rs1003523293, ClinGen allele CA268660172.